The following is an entry in ClinVar:

NM_017763.6(RNF43):c.1505G>A (p.Ser502Asn)

Gene: RNF43 (ring finger protein 43; minus strand). Cytogenetic location: 17q22.
Variant type: single nucleotide variant.
Coding change: c.1505G>A on transcript NM_017763.6 (MANE Select); coding-DNA position 1505, G replaced by A.
Protein change: p.Ser502Asn; replaces serine 502 with asparagine.
Molecular consequence: missense variant.
Genome position (GRCh38, 1-based): chr17:58,358,271, C>T on the plus strand (G>A on the coding strand, the complement: RNF43 is on the minus strand). VCF-style: chr17-58358271-C-T. GRCh37 (hg19) VCF-style: chr17-56435632-C-T.
Other names: c.1505G>A, p.Ser502Asn (NM_001305544.3, NM_001438820.1, NM_001438821.1 and 1 more transcripts); c.1124G>A, p.Ser375Asn (NM_001305545.2, NM_001437987.1); short protein forms S375N, S502N.
Identifiers: ClinVar variation 4579004 (VCV004579004.1).
Genomic context (GRCh38, chr17:58,358,271, plus strand): 5'-ATGTCCACTCGCTGGGGATCCCCTTTAGGGCTGCAGTACACTAGGGGGTCAAAGTCACTG[C>T]TTAGGGAGCTGCAGAAAGTAGAACTGCTGCCATGGACCCCCTGTAGGCTGATGTCCGTGC-3'
Protein context (NP_060233.3, residues 492-512): GSSSTFCSSL[Ser502Asn]SDFDPLVYCS

ClinVar aggregate classification (germline): Uncertain significance (1 of 4 stars; one submission).

Submission:

Ambry Genetics
Classification: Uncertain significance. Last evaluated: 2025-11-22. Review status: criteria provided, single submitter. Criteria: Ambry Variant Classification Scheme 2023. Collection method: clinical testing. Allele origin: germline.
Comment: The p.S502N variant (also known as c.1505G>A), located in coding exon 8 of the RNF43 gene, results from a G to A substitution at nucleotide position 1505. The serine at codon 502 is replaced by asparagine, an amino acid with highly similar properties. This amino acid position is conserved. In addition, this alteration is predicted to be tolerated by in silico analysis. Based on the available evidence, the clinical significance of this variant remains unclear.